The following is an entry in ClinVar:

ClinVar aggregate classification (germline): Uncertain significance (0 of 4 stars; one submission).

Conditions:
RAI1-related disorder. Also called: RAI1-related condition.

Submission:

PreventionGenetics, part of Exact Sciences
Classification: Uncertain significance for RAI1-related condition. Last evaluated: 2024-05-29. Review status: no assertion criteria provided. Collection method: clinical testing. Allele origin: germline.
Comment: The RAI1 c.3929T>A variant is predicted to result in the amino acid substitution p.Phe1310Tyr. To our knowledge, this variant has not been reported in the literature or in a large population database, indicating this variant is rare. At this time, the clinical significance of this variant is uncertain due to the absence of conclusive functional and genetic evidence.

NM_030665.4(RAI1):c.3929T>A (p.Phe1310Tyr)

Gene: RAI1 (retinoic acid induced 1; plus strand). Cytogenetic location: 17p11.2.
Variant type: single nucleotide variant.
Coding change: c.3929T>A on transcript NM_030665.4 (MANE Select); coding-DNA position 3929, T replaced by A.
Protein change: p.Phe1310Tyr; replaces phenylalanine 1310 with tyrosine.
Molecular consequence: missense variant.
Genome position (GRCh38, 1-based): chr17:17,796,877, T>A. VCF-style: chr17-17796877-T-A. GRCh37 (hg19) VCF-style: chr17-17700191-T-A.
Other names: short protein forms F1310Y.
Identifiers: ClinVar variation 3345889 (VCV003345889.1).
Genomic context (GRCh38, chr17:17,796,877, plus strand): 5'-CAAAGCTCCCACCCCCGGAGACCCCCGATGCCTGCCTCAAGCTCGCCTCTCGGGCAGCCT[T>A]CCAGGGGGCCATGAAGACCAAGGTGCTGCCACCCCGGAAGGGCCGGGGCCTGAAGCTGGA-3'
Protein context (NP_109590.3, residues 1300-1320): ACLKLASRAA[Phe1310Tyr]QGAMKTKVLP